The following is an entry in ClinVar:

NM_004977.3(KCNC3):c.1277A>G (p.Lys426Arg)

Gene: KCNC3 (potassium voltage-gated channel subfamily C member 3; minus strand). Cytogenetic location: 19q13.33.
Variant type: single nucleotide variant.
Coding change: c.1277A>G on transcript NM_004977.3 (MANE Select); coding-DNA position 1277, A replaced by G.
Protein change: p.Lys426Arg; replaces lysine 426 with arginine.
Molecular consequence: missense variant.
Genome position (GRCh38, 1-based): chr19:50,323,676, T>C on the plus strand (A>G on the coding strand, the complement: KCNC3 is on the minus strand). VCF-style: chr19-50323676-T-C. GRCh37 (hg19) VCF-style: chr19-50826933-T-C.
Other names: c.1049A>G, p.Lys350Arg (NM_001372305.1); short protein forms K350R, K426R.
Identifiers: ClinVar variation 3027040 (VCV003027040.22), dbSNP rs2513799477, ClinGen allele CA406951875.
Genomic context (GRCh38, chr19:50,323,676, plus strand): 5'-TTGGTGCTGGCGCGGAGCGTGTGTCCCAGCACGCGCAGCCCCACGAAGTGCCGGGTCAGC[T>C]TGAAGATGCGCAGGATGCGGACGAAGCGGACCACCCGCAGGAAGCCCAGCACGTCTTTGG-3'
Protein context (NP_004968.2, residues 416-436): VRFVRILRIF[Lys426Arg]LTRHFVGLRV

ClinVar aggregate classification (germline): Uncertain significance (1 of 4 stars; one submission).

Submission:

CeGaT Center for Human Genetics Tuebingen
Classification: Uncertain significance. Last evaluated: 2024-01-01. Review status: criteria provided, single submitter. Criteria: CeGaT Center For Human Genetics Tuebingen Variant Classification Criteria Version 2. Collection method: clinical testing. Allele origin: germline. Affected: yes. Observed: 1 variant allele.
Comment: KCNC3: PM2, PP2, PP3